The following is an entry in ClinVar:

NM_000203.5(IDUA):c.1708G>C (p.Asp570His)

Gene: IDUA (alpha-L-iduronidase; plus strand). Cytogenetic location: 4p16.3.
Variant type: single nucleotide variant.
Coding change: c.1708G>C on transcript NM_000203.5 (MANE Select); coding-DNA position 1708, G replaced by C.
Protein change: p.Asp570His; replaces aspartic acid 570 with histidine.
Molecular consequence: missense variant. On other transcripts: non-coding transcript variant (1).
Genome position (GRCh38, 1-based): chr4:1,003,606, G>C. VCF-style: chr4-1003606-G-C. GRCh37 (hg19) VCF-style: chr4-997394-G-C.
Other names: c.1312G>C, p.Asp438His (NM_001363576.1); c.1708G>C (NM_000203.4); short protein forms D570H, D438H.
Identifiers: ClinVar variation 551300 (VCV000551300.10), dbSNP rs1553917627, ClinGen allele CA355965252.

ClinVar aggregate classification (germline): Conflicting classifications of pathogenicity. Review status: criteria provided, conflicting classifications (1 of 4 stars). 5 submissions from 5 submitters: Pathogenic (1); Likely pathogenic (2); Uncertain significance (1). 1 of the submissions does not count toward it. Last evaluated 2025-04-21.

Conditions:
Mucopolysaccharidosis, MPS-I-S. Also called: Scheie Syndrome; MPS V; MUCOPOLYSACCHARIDOSIS TYPE V; MUCOPOLYSACCHARIDOSIS TYPE IS. Identifiers: Orphanet 93474, MedGen C0026708, MONDO:0011760, OMIM 607016.
Hurler syndrome. Also called: Gargoylism, Hurler Syndrome; MUCOPOLYSACCHARIDOSIS TYPE IH; Severe MPS I (Hurler Syndrome). Identifiers: Orphanet 93473, MedGen C0086795, MONDO:0011758, OMIM 607014.
Mucopolysaccharidosis, MPS-I-H/S. Also called: Mucopolysaccharidosis type IH/S. Identifiers: Orphanet 93476, MedGen C0086431, MONDO:0011759, OMIM 607015.
Mucopolysaccharidosis type 1. Also called: Mucopolysaccharidosis Type I; IDUA deficiency; MPS I. Identifiers: Orphanet 579, MedGen C0023786, MONDO:0001586.

Allele frequency attached by ClinVar (database versions not stated): gnomAD exomes below 0.00001.
gnomAD v4.1: 1 of 1,612,460 alleles (0.000062%); highest among the groups gnomAD compares: Non-Finnish European, 0.000085%; no homozygotes.

Submissions (5):

Revvity Omics, Revvity
Classification: Uncertain significance. Last evaluated: 2025-04-21. Review status: criteria provided, single submitter. Criteria: ACMG Guidelines, 2015. Collection method: clinical testing. Allele origin: germline.

Natera, Inc.
Classification: Likely pathogenic for Mucopolysaccharidosis type I. Last evaluated: 2025-01-14. Review status: criteria provided, single submitter. Criteria: Natera Variant Classification Schema (03/2026). Collection method: clinical testing. Allele origin: germline.
Comment: The c.1708G>C variant in IDUA is a missense variant predicted to cause substitution of aspartic acid to histidine at amino acid 570. This variant is rare in the general population with a frequency below the threshold expected for the associated phenotype(s). This variant has been observed in one or more individuals affected with the associated recessive disease, as either homozygous or compound heterozygous with a second variant (PMID: 25558755). This variant has been identified in one or more affected individual with a phenotype highly consistent with the associated gene (PMID: 25558755). A different variant at the same position has been determined to be Pathogenic or Likely Pathogenic. Computational prediction algorithms indicate this variant is likely to affect gene or protein function. Given the available evidence, this variant is classified as Likely Pathogenic.

Labcorp Genetics (formerly Invitae), Labcorp
Classification: Pathogenic for Mucopolysaccharidosis type 1. Last evaluated: 2024-12-30. Review status: criteria provided, single submitter. Criteria: Invitae Variant Classification Sherloc (09022015). Collection method: clinical testing. Allele origin: germline.
Comment: This sequence change replaces aspartic acid, which is acidic and polar, with histidine, which is basic and polar, at codon 570 of the IDUA protein (p.Asp570His). This variant is not present in population databases (gnomAD no frequency). This missense change has been observed in individual(s) with mucopolysaccharidosis type I (PMID: 25558755). ClinVar contains an entry for this variant (Variation ID: 551300). Invitae Evidence Modeling of protein sequence and biophysical properties (such as structural, functional, and spatial information, amino acid conservation, physicochemical variation, residue mobility, and thermodynamic stability) indicates that this missense variant is expected to disrupt IDUA protein function with a positive predictive value of 95%. Algorithms developed to predict the effect of sequence changes on RNA splicing suggest that this variant may disrupt the consensus splice site. This variant disrupts the p.Asp570 amino acid residue in IDUA. Other variant(s) that disrupt this residue have been determined to be pathogenic (PMID: 31991612). This suggests that this residue is clinically significant, and that variants that disrupt this residue are likely to be disease-causing. For these reasons, this variant has been classified as Pathogenic.

Fulgent Genetics
Classification: Likely pathogenic for Hurler syndrome; Mucopolysaccharidosis, MPS-I-H/S; Mucopolysaccharidosis, MPS-I-S. Last evaluated: 2024-03-12. Review status: criteria provided, single submitter. Criteria: ACMG Guidelines, 2015. Collection method: clinical testing. Allele origin: germline.

Counsyl
Classification: Uncertain significance for Hurler syndrome. Last evaluated: 2017-03-29. Review status: no assertion criteria provided. Collection method: clinical testing. Allele origin: unknown. Not counted in ClinVar's aggregate classification.

Literature cited by the submitters: PubMed 25558755 (cited by 3 submitters); PubMed 31991612 (cited by Labcorp Genetics (formerly Invitae), Labcorp).